The following is an entry in ClinVar:

ClinVar aggregate classification (germline): Benign/Likely benign. Review status: criteria provided, multiple submitters, no conflicts (2 of 4 stars). 3 submissions from 3 submitters: Benign (2); Likely benign (1). Last evaluated 2024-10-09.

Conditions:
Platelet-type bleeding disorder 9 (BDPLT9). Also called: GLYCOPROTEIN Ia DEFICIENCY; GP Ia DEFICIENCY; COLLAGEN PLATELET RECEPTOR DEFICIENCY. Identifiers: Orphanet 73271, Orphanet 98886, MedGen C3280114, MONDO:0013622, OMIM 614200.

Allele frequency attached by ClinVar (database versions not stated): ESP Exome Variant Server 0.00684; 1000 Genomes Project 30x 0.00718; gnomAD exomes 0.00052 and 0.00135; ExAC 0.00181; gnomAD 0.00577 and 0.00622; TOPMed 0.00637; 1000 Genomes Project 0.00679.
gnomAD v4.1: 1,655 of 1,612,522 alleles (0.1%); highest among the groups gnomAD compares: African/African-American, 2%; 20 homozygotes.

Submissions (3):

Blueprint Genetics
Classification: Likely benign. Last evaluated: 2024-10-09. Review status: criteria provided, single submitter. Criteria: ACMG Guidelines, 2015. Collection method: clinical testing. Allele origin: germline.

Labcorp Genetics (formerly Invitae), Labcorp
Classification: Benign. Last evaluated: 2019-12-31. Review status: criteria provided, single submitter. Criteria: Invitae Variant Classification Sherloc (09022015). Collection method: clinical testing. Allele origin: germline.

Illumina Laboratory Services, Illumina
Classification: Benign for Platelet-type bleeding disorder 9. Last evaluated: 2018-01-13. Review status: criteria provided, single submitter. Criteria: ICSL Variant Classification Criteria 13 December 2019. Collection method: clinical testing. Allele origin: germline.
Comment: This variant was observed in the ICSL laboratory as part of a predisposition screen in an ostensibly healthy population. It had not been previously curated by ICSL or reported in the Human Gene Mutation Database (HGMD: prior to June 1st, 2018), and was therefore a candidate for classification through an automated scoring system. Utilizing variant allele frequency, disease prevalence and penetrance estimates, and inheritance mode, an automated score was calculated to assess if this variant is too frequent to cause the disease. Based on the score and internal cut-off values, a variant classified as benign is not then subjected to further curation. The score for this variant resulted in a classification of benign for this disease.

NM_002203.4(ITGA2):c.3379A>C (p.Lys1127Gln)

Gene: ITGA2 (integrin subunit alpha 2; plus strand). Cytogenetic location: 5q11.2.
Variant type: single nucleotide variant.
Coding change: c.3379A>C on transcript NM_002203.4 (MANE Select); coding-DNA position 3379, A replaced by C.
Protein change: p.Lys1127Gln; replaces lysine 1127 with glutamine.
Molecular consequence: missense variant. On other transcripts: non-coding transcript variant (5).
Genome position (GRCh38, 1-based): chr5:53,089,976, A>C. VCF-style: chr5-53089976-A-C. GRCh37 (hg19) VCF-style: chr5-52385806-A-C.
Other names: short protein forms K1127Q.
Identifiers: ClinVar variation 353781 (VCV000353781.10), dbSNP rs3212645, ClinGen allele CA3263512.
Genomic context (GRCh38, chr5:53,089,976, plus strand): 5'-AATAACTCAACTGTGAACTGACATTTCCAGATTCCCCTGATGATAATGAAACCTGATGAG[A>C]AAGCCGAAGTACCAACAGGAGTTATAATAGGAAGTATAATTGCTGGAATCCTTTTGCTGT-3'
Protein context (NP_002194.2, residues 1117-1137): IPLMIMKPDE[Lys1127Gln]AEVPTGVIIG